The following is an entry in ClinVar:

ClinVar aggregate classification (germline): Uncertain significance (1 of 4 stars; one submission).

Conditions:
Fanconi anemia (FA). Also called: Fanconi's anemia. Identifiers: Orphanet 84, MedGen C0015625, MeSH D005199, MONDO:0019391.

Submission:

Labcorp Genetics (formerly Invitae), Labcorp
Classification: Uncertain significance for Fanconi anemia. Last evaluated: 2023-12-06. Review status: criteria provided, single submitter. Criteria: Invitae Variant Classification Sherloc (09022015). Collection method: clinical testing. Allele origin: germline.
Comment: This sequence change replaces alanine, which is neutral and non-polar, with glycine, which is neutral and non-polar, at codon 938 of the FANCM protein (p.Ala938Gly). This variant is not present in population databases (gnomAD no frequency). This variant has not been reported in the literature in individuals affected with FANCM-related conditions. ClinVar contains an entry for this variant (Variation ID: 1474995). An algorithm developed to predict the effect of missense changes on protein structure and function (PolyPhen-2) suggests that this variant is likely to be tolerated. In summary, the available evidence is currently insufficient to determine the role of this variant in disease. Therefore, it has been classified as a Variant of Uncertain Significance.

NM_020937.4(FANCM):c.2813C>G (p.Ala938Gly)

Gene: FANCM (FA complementation group M; plus strand). Cytogenetic location: 14q21.2.
Variant type: single nucleotide variant.
Coding change: c.2813C>G on transcript NM_020937.4 (MANE Select); coding-DNA position 2813, C replaced by G.
Protein change: p.Ala938Gly; replaces alanine 938 with glycine.
Molecular consequence: missense variant.
Genome position (GRCh38, 1-based): chr14:45,175,567, C>G. VCF-style: chr14-45175567-C-G. GRCh37 (hg19) VCF-style: chr14-45644770-C-G.
Other names: c.2735C>G, p.Ala912Gly (NM_001308133.2); short protein forms A938G, A912G.
Identifiers: ClinVar variation 1474995 (VCV001474995.8), dbSNP rs2139244001, ClinGen allele CA389599234.
Genomic context (GRCh38, chr14:45,175,567, plus strand): 5'-AAGAACCGTGTGTGTTATTAACAGAGTGTCAGTTTACAAATAAATCCACTAGTTCACTTG[C>G]TGGAAATGTTTTAGATTCTGGTTATAACAGTTTCAATGATGAAAAATCTGTTTCATCTAA-3'
Protein context (NP_065988.1, residues 928-948): QFTNKSTSSL[Ala938Gly]GNVLDSGYNS